The following is an entry in ClinVar:

NM_001171.6(ABCC6):c.4376G>A (p.Arg1459His)

Genes: ABCC6 (ATP binding cassette subfamily C member 6; minus strand), LOC125146421 (Sharpr-MPRA regulatory region 15590; plus strand). Cytogenetic location: 16p13.11.
Variant type: single nucleotide variant.
Coding change: c.4376G>A on transcript NM_001171.6 (MANE Select); coding-DNA position 4376, G replaced by A.
Protein change: p.Arg1459His; replaces arginine 1459 with histidine.
Molecular consequence: missense variant. On other transcripts: non-coding transcript variant (1).
Genome position (GRCh38, 1-based): chr16:16,150,605, C>T on the plus strand (G>A on the coding strand, the complement: ABCC6 is on the minus strand). VCF-style: chr16-16150605-C-T. GRCh37 (hg19) VCF-style: chr16-16244462-C-T.
Other names: c.4034G>A, p.Arg1345His (NM_001351800.1); short protein forms R1345H, R1459H.
Identifiers: ClinVar variation 2137787 (VCV002137787.1), dbSNP rs753497739, ClinGen allele CA7925216.

ClinVar aggregate classification (germline): Uncertain significance (1 of 4 stars; one submission).

Allele frequency attached by ClinVar (database versions not stated): ExAC 0.00001; gnomAD 0.00001; gnomAD exomes 0.00001; TOPMed 0.00003.
gnomAD v4.1: 17 of 1,612,382 alleles (0.0011%); highest among the groups gnomAD compares: African/African-American, 0.0027%; no homozygotes.

Submission:

Labcorp Genetics (formerly Invitae), Labcorp
Classification: Uncertain significance. Last evaluated: 2022-02-18. Review status: criteria provided, single submitter. Criteria: Invitae Variant Classification Sherloc (09022015). Collection method: clinical testing. Allele origin: germline.
Comment: This sequence change replaces arginine, which is basic and polar, with histidine, which is basic and polar, at codon 1459 of the ABCC6 protein (p.Arg1459His). This variant is present in population databases (rs753497739, gnomAD 0.02%). This missense change has been observed in individual(s) with ABCC6-related conditions (PMID: 28186352). Advanced modeling of protein sequence and biophysical properties (such as structural, functional, and spatial information, amino acid conservation, physicochemical variation, residue mobility, and thermodynamic stability) performed at Invitae indicates that this missense variant is expected to disrupt ABCC6 protein function. In summary, the available evidence is currently insufficient to determine the role of this variant in disease. Therefore, it has been classified as a Variant of Uncertain Significance.

Literature cited by the submitters: PubMed 28186352.